The following is an entry in ClinVar:

NM_024675.4(PALB2):c.3300T>G (p.Thr1100=)

Gene: PALB2 (partner and localizer of BRCA2; minus strand). Cytogenetic location: 16p12.2.
Variant type: single nucleotide variant.
Coding change: c.3300T>G on transcript NM_024675.4 (MANE Select); coding-DNA position 3300, T replaced by G.
Protein change: p.Thr1100=; no amino-acid change (threonine 1100 retained).
Molecular consequence: synonymous variant.
Genome position (GRCh38, 1-based): chr16:23,607,914, A>C on the plus strand (T>G on the coding strand, the complement: PALB2 is on the minus strand). VCF-style: chr16-23607914-A-C. GRCh37 (hg19) VCF-style: chr16-23619235-A-C.
Other names: NP_078951.2:p.Thr1100=; p.Thr1100=.
Identifiers: ClinVar variation 126730 (VCV000126730.55), dbSNP rs45516100, ClinGen allele CA151246.

ClinVar aggregate classification (germline): Benign/Likely benign. Review status: criteria provided, multiple submitters, no conflicts (2 of 4 stars). 26 submissions from 26 submitters: Benign (14); Likely benign (4). 8 of the submissions do not count toward it. Last evaluated 2026-02-04.

Conditions:
Hereditary cancer-predisposing syndrome. Also called: Tumor predisposition; Hereditary neoplastic syndrome; Neoplastic Syndromes, Hereditary; Hereditary Cancer Syndrome. Identifiers: Orphanet 140162, MedGen C0027672, MeSH D009386, MONDO:0015356.
Hereditary breast ovarian cancer syndrome. Also called: Hereditary breast and ovarian cancer syndrome; Hereditary breast and ovarian cancer syndrome (HBOC); Breast and ovarian cancer; BRCA1- and BRCA2-Associated Hereditary Breast and Ovarian Cancer; Hereditary breast and ovarian cancer; Hereditary breast and/or ovarian cancer syndrome. Identifiers: Orphanet 145, MedGen C0677776, MeSH D061325, MONDO:0003582. Disease mechanism: loss of function.
Familial cancer of breast. Also called: hereditary breast carcinoma; Hereditary breast cancer; BREAST CANCER, FAMILIAL. Identifiers: Orphanet 227535, MedGen C0346153, MONDO:0016419, OMIM 114480. Disease mechanism: loss of function.
Breast-ovarian cancer, familial, susceptibility to, 5 (BROVCA5). Identifiers: MedGen C5830615, MONDO:0957530, OMIM 620442.
Malignant tumor of breast. Also called: Malignant breast neoplasm; Cancer breast. Identifiers: MedGen C0006142, MONDO:0007254. Disease mechanism: loss of function.
Fanconi anemia complementation group N. Also called: PALB2-Related Fanconi Anemia. Identifiers: Orphanet 84, MedGen C1835817, MONDO:0012565, OMIM 610832. Disease mechanism: loss of function.
Pancreatic cancer, susceptibility to, 3. Identifiers: Orphanet 1333, MedGen C3150547, MONDO:0013236, OMIM 613348.

Allele frequency attached by ClinVar (database versions not stated): 1000 Genomes Project 0.01757; 1000 Genomes Project 30x 0.01796; gnomAD 0.02451 and 0.02529; TOPMed 0.02600; ESP Exome Variant Server 0.02801.
gnomAD v4.1: 44,720 of 1,614,080 alleles (2.8%); highest among the groups gnomAD compares: Middle Eastern, 6.2%; 732 homozygotes.

Submissions 1 to 21 of 26:

Labcorp Genetics (formerly Invitae), Labcorp
Classification: Benign for Familial cancer of breast. Last evaluated: 2026-02-04. Review status: criteria provided, single submitter. Criteria: Invitae Variant Classification Sherloc (09022015). Collection method: clinical testing. Allele origin: germline.

Dasa
Classification: Benign for Breast-ovarian cancer, familial, susceptibility to, 5. Last evaluated: 2025-10-28. Review status: criteria provided, single submitter. Criteria: DASA Assertion Criteria. Collection method: clinical testing. Allele origin: germline.
Comment: NM_024675.4(PALB2):c.3300T>G (p.Thr1100=) is a synonymous variant predicted not to alter the encoded amino acid sequence. Population frequency is inconsistent with a disease-causing role for this variant. Therefore, based on the currently available evidence, this variant is classified as benign.

Mayo Clinic Laboratories, Mayo Clinic
Classification: Benign. Last evaluated: 2025-10-23. Review status: criteria provided, single submitter. Criteria: ACMG Guidelines, 2015. Collection method: clinical testing. Allele origin: germline. Observed: 68 variant alleles.
Comment: BA1, BP4, BP7

ARUP Laboratories, Molecular Genetics and Genomics, ARUP Laboratories
Classification: Benign. Last evaluated: 2025-04-16. Review status: criteria provided, single submitter. Criteria: ARUP Molecular Germline Variant Investigation Process 2024. Collection method: clinical testing. Allele origin: germline.

Center for Genomic Medicine, Rigshospitalet, Copenhagen University Hospital
Classification: Benign. Last evaluated: 2025-03-04. Review status: criteria provided, single submitter. Criteria: ACMG Guidelines, 2015. Collection method: clinical testing. Allele origin: germline.

Myriad Genetics, Inc.
Classification: Benign for Familial cancer of breast. Last evaluated: 2025-01-22. Review status: criteria provided, single submitter. Criteria: Myriad Autosomal Dominant, Autosomal Recessive and X-Linked Classification Criteria (2023). Collection method: clinical testing. Allele origin: unknown.
Comment: This variant is considered benign. This variant is a silent/synonymous amino acid change and it is not expected to impact splicing.

Blueprint Genetics
Classification: Likely benign. Last evaluated: 2024-11-27. Review status: criteria provided, single submitter. Criteria: ACMG Guidelines, 2015. Collection method: clinical testing. Allele origin: germline.

KCCC/NGS Laboratory, Kuwait Cancer Control Center
Classification: Benign for Breast-ovarian cancer, familial, susceptibility to, 5. Last evaluated: 2023-07-07. Review status: criteria provided, single submitter. Criteria: ACMG Guidelines, 2015. Collection method: clinical testing. Allele origin: germline. Affected: yes.

National Health Laboratory Service, Universitas Academic Hospital and University of the Free State
Classification: Benign for Hereditary breast ovarian cancer syndrome. Last evaluated: 2022-04-19. Review status: criteria provided, single submitter. Criteria: ACMG Guidelines, 2015. Collection method: clinical testing. Allele origin: germline. Affected: yes. Observed: 6 variant alleles.

Fulgent Genetics
Classification: Likely benign for Familial cancer of breast; Fanconi anemia complementation group N; Pancreatic cancer, susceptibility to, 3. Last evaluated: 2021-08-06. Review status: criteria provided, single submitter. Criteria: ACMG Guidelines, 2015. Collection method: clinical testing. Allele origin: unknown.

Sema4
Classification: Benign for Hereditary cancer-predisposing syndrome. Last evaluated: 2020-08-24. Review status: criteria provided, single submitter. Criteria: Sema4 Curation Guidelines. Collection method: curation. Allele origin: germline.

Illumina Laboratory Services, Illumina
Classification: Benign for Fanconi anemia complementation group N. Last evaluated: 2018-01-13. Review status: criteria provided, single submitter. Criteria: ICSL Variant Classification Criteria 13 December 2019. Collection method: clinical testing. Allele origin: germline.
Comment: This variant was observed in the ICSL laboratory as part of a predisposition screen in an ostensibly healthy population. It had not been previously curated by ICSL or reported in the Human Gene Mutation Database (HGMD: prior to June 1st, 2018), and was therefore a candidate for classification through an automated scoring system. Utilizing variant allele frequency, disease prevalence and penetrance estimates, and inheritance mode, an automated score was calculated to assess if this variant is too frequent to cause the disease. Based on the score and internal cut-off values, a variant classified as benign is not then subjected to further curation. The score for this variant resulted in a classification of benign for this disease.

Cancer Genetics Laboratory, Peter MacCallum Cancer Centre
Classification: Likely benign for Familial cancer of breast. Last evaluated: 2015-06-01. Review status: criteria provided, single submitter. Criteria: Thompson et al. (Breast Cancer Res. 2015). Collection method: case-control. Allele origin: germline. Affected: yes and no. Observed: 255 variant alleles, 249 heterozygotes, 6 homozygotes.

Color Diagnostics, LLC DBA Color Health
Classification: Benign for Hereditary cancer-predisposing syndrome. Last evaluated: 2015-03-31. Review status: criteria provided, single submitter. Criteria: ACMG Guidelines, 2015. Collection method: clinical testing. Allele origin: germline.

GeneDx
Classification: Benign. Last evaluated: 2015-03-03. Review status: criteria provided, single submitter. Criteria: GeneDx Variant Classification Process June 2021. Collection method: clinical testing. Allele origin: germline. Affected: yes.

Ambry Genetics
Classification: Benign for Hereditary cancer-predisposing syndrome. Last evaluated: 2014-11-19. Review status: criteria provided, single submitter. Criteria: Ambry Variant Classification Scheme 2023. Collection method: clinical testing. Allele origin: germline.

Breakthrough Genomics
Classification: Likely benign. Review status: criteria provided, single submitter. Criteria: ACMG Guidelines, 2015. Collection method: not provided. Allele origin: germline. Inheritance: Autosomal dominant inheritance. Affected: yes.

PreventionGenetics, part of Exact Sciences
Classification: Benign. Review status: criteria provided, single submitter. Criteria: ACMG Guidelines, 2015. Collection method: clinical testing. Allele origin: germline.

Leiden Open Variation Database
Classification: Benign. Last evaluated: 2019-08-07. Review status: no assertion criteria provided. Collection method: curation. Allele origin: germline. Affected: no. Not counted in ClinVar's aggregate classification.
Comment: Curators: Marc Tischkowitz, Arleen D. Auerbach. Submitters to LOVD: Marc Tischkowitz, Maximiliano Zeballos.

True Health Diagnostics
Classification: Likely benign for Hereditary cancer-predisposing syndrome. Last evaluated: 2018-02-23. Review status: no assertion criteria provided. Collection method: clinical testing. Allele origin: germline. Not counted in ClinVar's aggregate classification.

Clinical Genetics Laboratory, Department of Pathology, Netherlands Cancer Institute
Classification: Benign. Review status: no assertion criteria provided. Collection method: clinical testing. Allele origin: germline. Affected: yes. Study: VKGL Data-share Consensus. Not counted in ClinVar's aggregate classification.